The following is an entry in ClinVar:

NM_001048174.2(MUTYH):c.1196_1205del (p.Trp399fs)

Gene: MUTYH (mutY DNA glycosylase; minus strand). Cytogenetic location: 1p34.1.
Variant type: Deletion.
Coding change: c.1196_1205del on transcript NM_001048174.2 (MANE Select); coding-DNA positions 1196 to 1205, 10 bases deleted (GGGCTGGGCC; older notation c.1196_1205delGGGCTGGGCC).
Protein change: p.Trp399fs; shifts the reading frame from tryptophan 399.
Molecular consequence: frameshift variant. On other transcripts: non-coding transcript variant (2).
Genome position (GRCh38, 1-based): chr1:45,331,454-45,331,463, GGCCCAGCCC deleted on the plus strand (GGGCTGGGCC on the coding strand, the reverse complement: MUTYH is on the minus strand). VCF-style (leftmost placement, unchanged base first): chr1-45331453-GGGCCCAGCCC-G. GRCh37 (hg19) VCF-style: chr1-45797125-GGGCCCAGCCC-G.
Other names: c.1280_1289delGGGCTGGGCC (NM_001128425.1); c.1280_1289del10 (NM_001128425.1); c.920_929del, p.Trp307fs (NM_001293196.2, NM_001293192.2); c.851_860del, p.Trp284fs (NM_001350650.2, NM_001350651.2); c.1271_1280del, p.Trp424fs (NM_012222.3); c.1196_1205del, p.Trp399fs (NM_001048171.2, NM_001048173.2, NM_001293195.2); c.1199_1208del, p.Trp400fs (NM_001048172.2); c.1280_1289del, p.Trp427fs (NM_001128425.2); and 2 more; short protein forms W307fs, W284fs, W400fs, W410fs, W414fs, W424fs, W399fs, W427fs.
Identifiers: ClinVar variation 533306 (VCV000533306.11), dbSNP rs1553125677, ClinGen allele CA645372119.
Genomic context (GRCh38, chr1:45,331,453, plus strand): 5'-TCCTTGGCTATTCCGCTGCTCACTTACCTCCCCAAGGTGCCGGAGGTGCGTGGCTGGGAG[GGGCCCAGCCC>G]AACGCTGTAGTTCCTGCAGCAGGGCCTTGCGCTGAAGCTGCTCTGAGGGCTCCCAGGTCA-3'

ClinVar aggregate classification (germline): Pathogenic/Likely pathogenic. Review status: criteria provided, multiple submitters, no conflicts (2 of 4 stars). 3 submissions from 3 submitters: Pathogenic (2); Likely pathogenic (1). Last evaluated 2023-09-02.

Conditions:
Hereditary cancer-predisposing syndrome. Also called: Tumor predisposition; Hereditary neoplastic syndrome; Neoplastic Syndromes, Hereditary; Hereditary Cancer Syndrome. Identifiers: Orphanet 140162, MedGen C0027672, MeSH D009386, MONDO:0015356.
Familial adenomatous polyposis 2. Also called: MUTYH Polyposis; COLORECTAL ADENOMATOUS POLYPOSIS, AUTOSOMAL RECESSIVE; ADENOMAS, MULTIPLE COLORECTAL, AUTOSOMAL RECESSIVE; MUTYH-associated polyposis; MUTYH-related attenuated familial adenomatous polyposis; Adenomas, multiple colorectal. Identifiers: Orphanet 220460, Orphanet 247798, MedGen C3272841, MONDO:0012041, OMIM 608456.

Submissions (3):

Ambry Genetics
Classification: Pathogenic for Hereditary cancer-predisposing syndrome. Last evaluated: 2023-09-02. Review status: criteria provided, single submitter. Criteria: Ambry Variant Classification Scheme 2023. Collection method: clinical testing. Allele origin: germline.
Comment: The c.1280_1289del10 pathogenic mutation, located in coding exon 13 of the MUTYH gene, results from a deletion of 10 nucleotides at nucleotide positions 1280 to 1289, causing a translational frameshift with a predicted alternate stop codon (p.W427Sfs*22). This alteration has been previously identified in an individual from a North American cohort of individuals with early onset colon cancer (Pearlman R et al. JAMA Oncol, 2017 Apr;3:464-471). This variant is considered to be rare based on population cohorts in the Genome Aggregation Database (gnomAD). In addition to the clinical data presented in the literature, this alteration is expected to result in loss of function by premature protein truncation or nonsense-mediated mRNA decay. As such, this alteration is interpreted as a disease-causing mutation.

Labcorp Genetics (formerly Invitae), Labcorp
Classification: Pathogenic for Familial adenomatous polyposis 2. Last evaluated: 2023-08-07. Review status: criteria provided, single submitter. Criteria: Invitae Variant Classification Sherloc (09022015). Collection method: clinical testing. Allele origin: germline.
Comment: This sequence change creates a premature translational stop signal (p.Trp427Serfs*22) in the MUTYH gene. It is expected to result in an absent or disrupted protein product. Loss-of-function variants in MUTYH are known to be pathogenic (PMID: 18534194, 20663686). For these reasons, this variant has been classified as Pathogenic. ClinVar contains an entry for this variant (Variation ID: 533306). This premature translational stop signal has been observed in individual(s) with colorectal cancer (PMID: 27978560). This variant is not present in population databases (gnomAD no frequency).

Baylor Genetics
Classification: Likely pathogenic for Familial adenomatous polyposis 2. Last evaluated: 2021-10-19. Review status: criteria provided, single submitter. Criteria: ACMG Guidelines, 2015. Collection method: clinical testing. Allele origin: unknown.

Literature cited by the submitters: PubMed 27978560 (cited by Ambry Genetics and Labcorp Genetics (formerly Invitae), Labcorp); PubMed 18534194 (cited by Labcorp Genetics (formerly Invitae), Labcorp); PubMed 20663686 (cited by Labcorp Genetics (formerly Invitae), Labcorp).